The following is an entry in ClinVar:

NM_000077.5(CDKN2A):c.426T>G (p.His142Gln)

Gene: CDKN2A (cyclin dependent kinase inhibitor 2A; minus strand). Cytogenetic location: 9p21.3.
Variant type: single nucleotide variant.
Coding change: c.426T>G on transcript NM_000077.5; coding-DNA position 426, T replaced by G.
Protein change: p.His142Gln; replaces histidine 142 with glutamine.
Molecular consequence: missense variant (on NM_000077.6). On other transcripts: 3 prime UTR variant (2).
Genome position (GRCh38, 1-based): chr9:21,970,933, A>C on the plus strand (T>G on the coding strand, the complement: CDKN2A is on the minus strand). VCF-style: chr9-21970933-A-C. GRCh37 (hg19) VCF-style: chr9-21970932-A-C.
Other names: c.426T>G, p.His142Gln (NM_000077.6, NM_001195132.2); c.273T>G, p.His91Gln (NM_001363763.2); c.*70T>G (NM_058195.4); c.*349T>G (NM_058197.5); short protein forms H142Q, H91Q.
Identifiers: ClinVar variation 246046 (VCV000246046.2), dbSNP rs879254063, ClinGen allele CA10584301.

ClinVar aggregate classification (germline): Uncertain significance (1 of 4 stars; one submission).

gnomAD v4.1: 1 of 1,612,472 alleles (0.000062%); no homozygotes.

Submission:

GeneDx
Classification: Uncertain significance. Last evaluated: 2015-11-04. Review status: criteria provided, single submitter. Criteria: GeneDx Variant Classification (06012015). Collection method: clinical testing. Allele origin: germline. Affected: yes.
Comment: This variant is denoted CDKN2A c.426T>G at the cDNA level, p.His142Gln (H142Q) at the protein level, and results in the change of a Histidine to a Glutamine (CAT>CAG). This variant has not, to our knowledge, been published in the literature as pathogenic or benign. CDKN2A His142Gln was not observed in approximately 6,500 individuals of European and African American ancestry in the NHLBI Exome Sequencing Project, suggesting it is not a common benign variant in these populations. Since Histidine and Glutamine differ in some properties, this is considered a semi-conservative amino acid substitution. CDKN2A His142Gln occurs at a position that is not conserved and is not located in a known functional domain (UniProt). In silico analyses predict that this variant is unlikely to alter protein structure or function. Based on currently available evidence, it is unclear whether CDKN2A His142Gln is a pathogenic or benign variant. We consider it to be a variant of uncertain significance.